The following is an entry in ClinVar:

NM_005228.5(EGFR):c.246C>G (p.Ile82Met)

Gene: EGFR (epidermal growth factor receptor; plus strand). Cytogenetic location: 7p11.2.
Variant type: single nucleotide variant.
Coding change: c.246C>G on transcript NM_005228.5 (MANE Select); coding-DNA position 246, C replaced by G.
Protein change: p.Ile82Met; replaces isoleucine 82 with methionine.
Molecular consequence: missense variant. On other transcripts: intron variant (1).
Genome position (GRCh38, 1-based): chr7:55,143,310, C>G. VCF-style: chr7-55143310-C-G. GRCh37 (hg19) VCF-style: chr7-55211003-C-G.
Other names: c.246C>G, p.Ile82Met (NM_001346897.2, NM_001346898.2, NM_001346899.2 and 3 more transcripts); c.87C>G, p.Ile29Met (NM_001346900.2); c.89-12520C>G (NM_001346941.2); short protein forms I29M, I82M.
Identifiers: ClinVar variation 3688233 (VCV003688233.3).

ClinVar aggregate classification (germline): Uncertain significance. Review status: criteria provided, multiple submitters, no conflicts (2 of 4 stars). 2 submissions from 2 submitters: Uncertain significance (2). Last evaluated 2025-06-22.

Conditions:
Hereditary cancer-predisposing syndrome. Also called: Tumor predisposition; Neoplastic Syndromes, Hereditary; Hereditary Cancer Syndrome; Hereditary neoplastic syndrome. Identifiers: Orphanet 140162, MedGen C0027672, MeSH D009386, MONDO:0015356.
EGFR-related lung cancer (EGFR). Identifiers: MedGen CN130014.

Submissions (2):

Ambry Genetics
Classification: Uncertain significance for Hereditary cancer-predisposing syndrome. Last evaluated: 2025-06-22. Review status: criteria provided, single submitter. Criteria: Ambry Variant Classification Scheme 2023. Collection method: clinical testing. Allele origin: germline.
Comment: The p.I82M variant (also known as c.246C>G), located in coding exon 3 of the EGFR gene, results from a C to G substitution at nucleotide position 246. The isoleucine at codon 82 is replaced by methionine, an amino acid with highly similar properties. This amino acid position is conserved. In addition, this alteration is predicted to be deleterious by in silico analysis. Based on the available evidence, the clinical significance of this variant remains unclear.

Labcorp Genetics (formerly Invitae), Labcorp
Classification: Uncertain significance for EGFR-related lung cancer. Last evaluated: 2024-11-15. Review status: criteria provided, single submitter. Criteria: Invitae Variant Classification Sherloc (09022015). Collection method: clinical testing. Allele origin: germline.
Comment: This sequence change replaces isoleucine, which is neutral and non-polar, with methionine, which is neutral and non-polar, at codon 82 of the EGFR protein (p.Ile82Met). This variant is not present in population databases (gnomAD no frequency). This variant has not been reported in the literature in individuals affected with EGFR-related conditions. Invitae Evidence Modeling of protein sequence and biophysical properties (such as structural, functional, and spatial information, amino acid conservation, physicochemical variation, residue mobility, and thermodynamic stability) indicates that this missense variant is expected to disrupt EGFR protein function with a positive predictive value of 80%. In summary, the available evidence is currently insufficient to determine the role of this variant in disease. Therefore, it has been classified as a Variant of Uncertain Significance.